The following is an entry in ClinVar:

ClinVar aggregate classification (germline): Uncertain significance (1 of 4 stars; one submission).

Conditions:
DICER1-related tumor predisposition. Also called: DICER1-related pleuropulmonary blastoma cancer predisposition syndrome; DICER1 syndrome. Identifiers: Orphanet 284343, MedGen C3839822, MONDO:0100216.

Submission:

Labcorp Genetics (formerly Invitae), Labcorp
Classification: Uncertain significance for DICER1-related tumor predisposition. Last evaluated: 2025-10-24. Review status: criteria provided, single submitter. Criteria: Invitae Variant Classification Sherloc (09022015). Collection method: clinical testing. Allele origin: germline.
Comment: This sequence change replaces glutamic acid, which is acidic and polar, with glycine, which is neutral and non-polar, at codon 1520 of the DICER1 protein (p.Glu1520Gly). This variant is not present in population databases (gnomAD no frequency). This variant has not been reported in the literature in individuals affected with DICER1-related conditions. Invitae Evidence Modeling of protein sequence and biophysical properties (such as structural, functional, and spatial information, amino acid conservation, physicochemical variation, residue mobility, and thermodynamic stability) indicates that this missense variant is not expected to disrupt DICER1 protein function with a negative predictive value of 95%. In summary, the available evidence is currently insufficient to determine the role of this variant in disease. Therefore, it has been classified as a Variant of Uncertain Significance.

NM_177438.3(DICER1):c.4559A>G (p.Glu1520Gly)

Gene: DICER1 (dicer 1, ribonuclease III; minus strand). Cytogenetic location: 14q32.13.
Variant type: single nucleotide variant.
Coding change: c.4559A>G on transcript NM_177438.3 (MANE Select); coding-DNA position 4559, A replaced by G.
Protein change: p.Glu1520Gly; replaces glutamic acid 1520 with glycine.
Molecular consequence: missense variant. On other transcripts: non-coding transcript variant (6).
Genome position (GRCh38, 1-based): chr14:95,096,361, T>C on the plus strand (A>G on the coding strand, the complement: DICER1 is on the minus strand). VCF-style: chr14-95096361-T-C. GRCh37 (hg19) VCF-style: chr14-95562698-T-C.
Other names: c.4559A>G, p.Glu1520Gly (NM_001195573.1, NM_001271282.3, NM_001291628.2 and 12 more transcripts); c.4277A>G, p.Glu1426Gly (NM_001395686.1); c.4154A>G, p.Glu1385Gly (NM_001395687.1, NM_001395688.1, NM_001395689.1 and 2 more transcripts); c.3992A>G, p.Glu1331Gly (NM_001395691.1); c.2876A>G, p.Glu959Gly (NM_001395697.1); short protein forms E1331G, E1426G, E1520G, E1385G, E959G.
Identifiers: ClinVar variation 4746765 (VCV004746765.1).
Genomic context (GRCh38, chr14:95,096,361, plus strand): 5'-CCCGTGTCAACACCACAGTTTTCTTCTGATGGATTCCAGAACCCCACCACAAAGTCATCT[T>C]CTTCAACAGCTTTGCTAGGATCCAGATAGCACATTGCATCCCAAGAGCTGTAGTCAAAAT-3'
Protein context (NP_803187.1, residues 1510-1530): CYLDPSKAVE[Glu1520Gly]DDFVVGFWNP